The following is an entry in ClinVar:

ClinVar aggregate classification (germline): Uncertain significance. Review status: criteria provided, multiple submitters, no conflicts (2 of 4 stars). 2 submissions from 2 submitters: Uncertain significance (2). Last evaluated 2025-01-20.

Conditions:
Hereditary cancer-predisposing syndrome. Also called: Tumor predisposition; Hereditary neoplastic syndrome; Neoplastic Syndromes, Hereditary; Hereditary Cancer Syndrome. Identifiers: Orphanet 140162, MedGen C0027672, MeSH D009386, MONDO:0015356.
Bloom syndrome (BLM). Also called: Bloom-Torre-Machacek syndrome. Identifiers: Orphanet 125, MedGen C0005859, MONDO:0008876, OMIM 210900.

Allele frequency attached by ClinVar (database versions not stated): gnomAD exomes 0.00001 and 0.00002; ExAC 0.00004.
gnomAD v4.1: 12 of 1,614,210 alleles (0.00074%); highest among the groups gnomAD compares: Non-Finnish European, 0.001%; no homozygotes.

Submissions (2):

Labcorp Genetics (formerly Invitae), Labcorp
Classification: Uncertain significance for Bloom syndrome. Last evaluated: 2025-01-20. Review status: criteria provided, single submitter. Criteria: Invitae Variant Classification Sherloc (09022015). Collection method: clinical testing. Allele origin: germline.
Comment: This sequence change replaces serine, which is neutral and polar, with alanine, which is neutral and non-polar, at codon 1254 of the BLM protein (p.Ser1254Ala). This variant is present in population databases (rs781396294, gnomAD 0.005%). This variant has not been reported in the literature in individuals affected with BLM-related conditions. ClinVar contains an entry for this variant (Variation ID: 1424806). Invitae Evidence Modeling of protein sequence and biophysical properties (such as structural, functional, and spatial information, amino acid conservation, physicochemical variation, residue mobility, and thermodynamic stability) indicates that this missense variant is expected to disrupt BLM protein function with a positive predictive value of 80%. In summary, the available evidence is currently insufficient to determine the role of this variant in disease. Therefore, it has been classified as a Variant of Uncertain Significance.

Ambry Genetics
Classification: Uncertain significance for Hereditary cancer-predisposing syndrome. Last evaluated: 2024-06-18. Review status: criteria provided, single submitter. Criteria: Ambry Variant Classification Scheme 2023. Collection method: clinical testing. Allele origin: germline.
Comment: The p.S1254A variant (also known as c.3760T>G), located in coding exon 19 of the BLM gene, results from a T to G substitution at nucleotide position 3760. The serine at codon 1254 is replaced by alanine, an amino acid with similar properties. This amino acid position is highly conserved in available vertebrate species. In addition, this alteration is predicted to be tolerated by in silico analysis. Since supporting evidence is limited at this time, the clinical significance of this alteration remains unclear.

NM_000057.4(BLM):c.3760T>G (p.Ser1254Ala)

Gene: BLM (BLM RecQ like helicase; plus strand). Cytogenetic location: 15q26.1.
Variant type: single nucleotide variant.
Coding change: c.3760T>G on transcript NM_000057.4 (MANE Select); coding-DNA position 3760, T replaced by G.
Protein change: p.Ser1254Ala; replaces serine 1254 with alanine.
Molecular consequence: missense variant.
Genome position (GRCh38, 1-based): chr15:90,809,145, T>G. VCF-style: chr15-90809145-T-G. GRCh37 (hg19) VCF-style: chr15-91352375-T-G.
Other names: c.3760T>G, p.Ser1254Ala (NM_001287246.2); c.3367T>G, p.Ser1123Ala (NM_001287247.2); c.2635T>G, p.Ser879Ala (NM_001287248.2); short protein forms S1123A, S1254A, S879A.
Identifiers: ClinVar variation 1424806 (VCV001424806.11), dbSNP rs781396294, ClinGen allele CA7739109.
Genomic context (GRCh38, chr15:90,809,145, plus strand): 5'-TGGGTTTTCTATGGGTGATAATTTAAATTCCTAATTTTATGCCTTTGCACAGAATCTTTA[T>G]CTTCTGATCCTGAGGTTTTGCTTCAAATTGATGGTGTTACTGAAGACAAACTGGAAAAAT-3'
Protein context (NP_000048.1, residues 1244-1264): VTLKKLAESL[Ser1254Ala]SDPEVLLQID